The following is an entry in ClinVar:

ClinVar aggregate classification (germline): Uncertain significance (1 of 4 stars; one submission).

Conditions:
Inborn genetic diseases. Identifiers: MedGen C0950123, MeSH D030342.

Submission:

Ambry Genetics
Classification: Uncertain significance for Inborn genetic diseases. Last evaluated: 2024-04-22. Review status: criteria provided, single submitter. Criteria: Ambry Variant Classification Scheme 2023. Collection method: clinical testing. Allele origin: germline.
Comment: The p.H1254P variant (also known as c.3761A>C), located in coding exon 27 of the LRRK2 gene, results from an A to C substitution at nucleotide position 3761. The histidine at codon 1254 is replaced by proline, an amino acid with similar properties. This amino acid position is conserved. In addition, this alteration is predicted to be tolerated by in silico analysis. Based on the available evidence, the clinical significance of this variant remains unclear.

NM_198578.4(LRRK2):c.3761A>C (p.His1254Pro)

Gene: LRRK2 (leucine rich repeat kinase 2; plus strand). Cytogenetic location: 12q12.
Variant type: single nucleotide variant.
Coding change: c.3761A>C on transcript NM_198578.4 (MANE Select); coding-DNA position 3761, A replaced by C.
Protein change: p.His1254Pro; replaces histidine 1254 with proline.
Molecular consequence: missense variant.
Genome position (GRCh38, 1-based): chr12:40,304,118, A>C. VCF-style: chr12-40304118-A-C. GRCh37 (hg19) VCF-style: chr12-40697920-A-C.
Other names: short protein forms H1254P.
Identifiers: ClinVar variation 3291973 (VCV003291973.1).